The following is an entry in ClinVar:

NM_002303.6(LEPR):c.1655G>T (p.Gly552Val)

Gene: LEPR (leptin receptor; plus strand). Cytogenetic location: 1p31.3.
Variant type: single nucleotide variant.
Coding change: c.1655G>T on transcript NM_002303.6 (MANE Select); coding-DNA position 1655, G replaced by T.
Protein change: p.Gly552Val; replaces glycine 552 with valine.
Molecular consequence: missense variant.
Genome position (GRCh38, 1-based): chr1:65,608,804, G>T. VCF-style: chr1-65608804-G-T. GRCh37 (hg19) VCF-style: chr1-66074487-G-T.
Other names: c.1655G>T, p.Gly552Val (NM_001003679.3, NM_001003680.3, NM_001198687.2 and 2 more transcripts); short protein forms G552V.
Identifiers: ClinVar variation 4849863 (VCV004849863.1).

ClinVar aggregate classification (germline): Uncertain significance (1 of 4 stars; one submission).

Conditions:
Obesity due to leptin receptor gene deficiency. Identifiers: Orphanet 179494, MedGen C3554225, MONDO:0013992, OMIM 614963.

Submission:

Egypt Genome Project
Classification: Uncertain significance for Obesity due to leptin receptor gene deficiency. Last evaluated: 2026-02-01. Review status: criteria provided, single submitter. Criteria: ACMG Guidelines, 2015. Collection method: research. Allele origin: germline. Affected: yes.
Comment: The NM_002303.5 c.1655G>T is classified as Variant of uncertain significance based on the AMCG/AMP criteria (PM2, PM3-supporting, PP3, PP4)